The following is an entry in ClinVar:

ClinVar aggregate classification (germline): Pathogenic (1 of 4 stars; one submission).

Conditions:
Parathyroid carcinoma (PRTC). Also called: Parathyroid gland carcinoma; CDC73-Related Parathyroid Carcinoma. Identifiers: Orphanet 143, MedGen C0687150, MONDO:0012004, OMIM 608266, HP:0006780.

Submission:

Labcorp Genetics (formerly Invitae), Labcorp
Classification: Pathogenic for Parathyroid carcinoma. Last evaluated: 2022-09-22. Review status: criteria provided, single submitter. Criteria: Invitae Variant Classification Sherloc (09022015). Collection method: clinical testing. Allele origin: germline.
Comment: For these reasons, this variant has been classified as Pathogenic. A similar copy number variant has been observed in individuals with hyperparathyroidism-jaw tumor syndrome (HPT-JT) or clinial features of HPT-JT (PMID: 23293331, 24716902). This variant is a gross deletion of the genomic region encompassing exon(s) 4-6 of the CDC73 gene. This deletion is out-of-frame, and is expected to create a premature termination codon and result in an absent or disrupted protein product. Loss-of-function variants in CDC73 are known to be pathogenic (PMID: 12434154).

Literature cited by the submitters: PubMed 23293331; PubMed 24716902; PubMed 12434154.

NC_000001.11:g.(?_193135381)_(193138183_?)del

Gene: CDC73 (cell division cycle 73; plus strand). Cytogenetic location: 1q31.2.
Variant type: Deletion.
Identifiers: ClinVar variation 833443 (VCV000833443.3).